The following is an entry in ClinVar:

ClinVar aggregate classification (germline): Uncertain significance (1 of 4 stars; one submission).

Conditions:
Leukocyte adhesion deficiency 3. Also called: Leukocyte adhesion deficiency, type III; INTEGRIN ACTIVATION DEFICIENCY DISEASE; LEUKOCYTE ADHESION DEFICIENCY 1 VARIANT. Identifiers: Orphanet 2968, Orphanet 99844, MedGen C2748536, MONDO:0013016, OMIM 612840.

gnomAD v4.1: 1 of 1,613,798 alleles (0.000062%); highest among the groups gnomAD compares: Non-Finnish European, 0.000085%; no homozygotes.

Submission:

Labcorp Genetics (formerly Invitae), Labcorp
Classification: Uncertain significance for Leukocyte adhesion deficiency 3. Last evaluated: 2021-08-23. Review status: criteria provided, single submitter. Criteria: Invitae Variant Classification Sherloc (09022015). Collection method: clinical testing. Allele origin: germline.
Comment: This variant is not present in population databases (ExAC no frequency). In summary, the available evidence is currently insufficient to determine the role of this variant in disease. Therefore, it has been classified as a Variant of Uncertain Significance. Algorithms developed to predict the effect of missense changes on protein structure and function are either unavailable or do not agree on the potential impact of this missense change (SIFT: "Deleterious"; PolyPhen-2: "Probably Damaging"; Align-GVGD: "Class C0"). This variant has not been reported in the literature in individuals affected with FERMT3-related conditions. This sequence change replaces isoleucine with asparagine at codon 635 of the FERMT3 protein (p.Ile635Asn). The isoleucine residue is highly conserved and there is a large physicochemical difference between isoleucine and asparagine.

NM_031471.6(FERMT3):c.1904T>A (p.Ile635Asn)

Gene: FERMT3 (FERM domain containing kindlin 3; plus strand). Cytogenetic location: 11q13.1.
Variant type: single nucleotide variant.
Coding change: c.1904T>A on transcript NM_031471.6 (MANE Select); coding-DNA position 1904, T replaced by A.
Protein change: p.Ile635Asn; replaces isoleucine 635 with asparagine.
Molecular consequence: missense variant.
Genome position (GRCh38, 1-based): chr11:64,223,404, T>A. VCF-style: chr11-64223404-T-A. GRCh37 (hg19) VCF-style: chr11-63990876-T-A.
Other names: c.1904T>A, p.Ile635Asn (NM_001382361.1, NM_001382448.1); c.1916T>A, p.Ile639Asn (NM_001382362.1, NM_178443.3); c.1364T>A, p.Ile455Asn (NM_001382363.1); c.1376T>A, p.Ile459Asn (NM_001382364.1); short protein forms I635N, I455N, I459N, I639N.
Identifiers: ClinVar variation 1514907 (VCV001514907.6), dbSNP rs2134906387, ClinGen allele CA381090749.